The following is an entry in ClinVar:

ClinVar aggregate classification (germline): Uncertain significance. Review status: criteria provided, multiple submitters, no conflicts (2 of 4 stars). 2 submissions from 2 submitters: Uncertain significance (2). Last evaluated 2026-09-17.

Conditions:
Atypical hemolytic-uremic syndrome. Identifiers: Orphanet 2134, MedGen C2931788, MONDO:0016244.
Factor H deficiency (CFHD). Also called: CFH DEFICIENCY; COMPLEMENT FACTOR H DEFICIENCY. Identifiers: Orphanet 200421, MedGen C0398777, MONDO:0012350, OMIM 609814.
Age related macular degeneration 4. Identifiers: MedGen C1853147, MONDO:0012540, OMIM 610698.

Allele frequency attached by ClinVar (database versions not stated): gnomAD 0.00001; ExAC 0.00003; TOPMed 0.00003; gnomAD exomes 0.00004.
gnomAD v4.1: 56 of 1,607,306 alleles (0.0035%); highest among the groups gnomAD compares: Middle Eastern, 0.05%; no homozygotes.

Submissions (2):

Genomenon, Inc
Classification: Uncertain significance for Age related macular degeneration 4; Atypical hemolytic-uremic syndrome; Factor H deficiency. Last evaluated: 2026-09-17. Review status: criteria provided, single submitter. Criteria: Genomenon Sequence Variant Interpretation Standards - Updated. Collection method: curation. Allele origin: germline. Affected: yes.
Comment: CFH p.Ile221Val (c.661A>G) is a missense variant that changes the amino acid at codon 221 from isoleucine to valine. This variant has been observed in at least one proband affected with a CFH-related disorder (PMID: 29888403; 26501415; 34714369). Functional studies have been reported (PMID: 36445700; 34189567; 27905547). It is absent or not present at a significant frequency in gnomAD. In silico models predict that this variant is not damaging. In conclusion, we classify CFH p.Ile221Val (c.661A>G) as a variant of uncertain significance.

Labcorp Genetics (formerly Invitae), Labcorp
Classification: Uncertain significance. Last evaluated: 2025-06-22. Review status: criteria provided, single submitter. Criteria: Invitae Variant Classification Sherloc (09022015). Collection method: clinical testing. Allele origin: germline.
Comment: This sequence change replaces isoleucine, which is neutral and non-polar, with valine, which is neutral and non-polar, at codon 221 of the CFH protein (p.Ile221Val). This variant is present in population databases (rs774239374, gnomAD 0.004%). This missense change has been observed in individual(s) with atypical hemolytic uremic syndrome and/or age-related macular degeneration (PMID: 26501415, 29888403, 34189567, 34714369). ClinVar contains an entry for this variant (Variation ID: 2077482). An algorithm developed to predict the effect of missense changes on protein structure and function outputs the following: PolyPhen-2: "Benign". The valine amino acid residue is found in multiple mammalian species, which suggests that this missense change does not adversely affect protein function. Studies have shown that this missense change does not significantly alter or has an unclear effect on CFH gene expression (PMID: 34189567, 36445700). In summary, the available evidence is currently insufficient to determine the role of this variant in disease. Therefore, it has been classified as a Variant of Uncertain Significance.

Literature cited by the submitters: PubMed 29888403 (cited by Genomenon, Inc and Labcorp Genetics (formerly Invitae), Labcorp); PubMed 26501415 (cited by Genomenon, Inc and Labcorp Genetics (formerly Invitae), Labcorp); PubMed 34714369 (cited by Genomenon, Inc and Labcorp Genetics (formerly Invitae), Labcorp); PubMed 36445700 (cited by Genomenon, Inc and Labcorp Genetics (formerly Invitae), Labcorp); PubMed 34189567 (cited by Genomenon, Inc and Labcorp Genetics (formerly Invitae), Labcorp); PubMed 27905547 (cited by Genomenon, Inc).

NM_000186.4(CFH):c.661A>G (p.Ile221Val)

Gene: CFH (complement factor H; plus strand). Cytogenetic location: 1q31.3.
Variant type: single nucleotide variant.
Coding change: c.661A>G on transcript NM_000186.4 (MANE Select); coding-DNA position 661, A replaced by G.
Protein change: p.Ile221Val; replaces isoleucine 221 with valine.
Molecular consequence: missense variant.
Genome position (GRCh38, 1-based): chr1:196,679,664, A>G. VCF-style: chr1-196679664-A-G. GRCh37 (hg19) VCF-style: chr1-196648794-A-G.
Other names: c.661A>G, p.Ile221Val (NM_001014975.3); short protein forms I221V.
Identifiers: ClinVar variation 2077482 (VCV002077482.6), dbSNP rs774239374, ClinGen allele CA1305126.